The following is an entry in ClinVar:

ClinVar aggregate classification (germline): Likely benign. Review status: criteria provided, single submitter (1 of 4 stars). 2 submissions from 2 submitters: Likely benign (1). 1 of the submissions does not count toward it. Last evaluated 2023-02-01.

Conditions:
SLC29A4-related disorder. Also called: SLC29A4-related condition.

Allele frequency attached by ClinVar (database versions not stated): ESP Exome Variant Server 0.00023; 1000 Genomes Project 30x 0.00125; 1000 Genomes Project 0.00160.
gnomAD v4.1: 359 of 1,612,040 alleles (0.022%); highest among the groups gnomAD compares: Middle Eastern, 0.24%; 3 homozygotes.

Submissions (2):

CeGaT Center for Human Genetics Tuebingen
Classification: Likely benign. Last evaluated: 2023-02-01. Review status: criteria provided, single submitter. Criteria: CeGaT Center For Human Genetics Tuebingen Variant Classification Criteria Version 2. Collection method: clinical testing. Allele origin: germline. Affected: yes. Observed: 1 variant allele.
Comment: SLC29A4: BP4, BP7

PreventionGenetics, part of Exact Sciences
Classification: Likely benign for SLC29A4-related condition. Last evaluated: 2023-01-12. Review status: no assertion criteria provided. Collection method: clinical testing. Allele origin: germline. Not counted in ClinVar's aggregate classification.
Comment: This variant is classified as likely benign based on ACMG/AMP sequence variant interpretation guidelines (Richards et al. 2015 PMID: 25741868, with internal and published modifications).

NM_153247.4(SLC29A4):c.411C>G (p.Thr137=)

Gene: SLC29A4 (solute carrier family 29 member 4; plus strand). Cytogenetic location: 7p22.1.
Variant type: single nucleotide variant.
Coding change: c.411C>G on transcript NM_153247.4 (MANE Select); coding-DNA position 411, C replaced by G.
Protein change: p.Thr137=; no amino-acid change (threonine 137 retained).
Molecular consequence: synonymous variant.
Genome position (GRCh38, 1-based): chr7:5,291,233, C>G. VCF-style: chr7-5291233-C-G. GRCh37 (hg19) VCF-style: chr7-5330864-C-G.
Other names: c.411C>G (NM_153247.2); c.411C>G, p.Thr137= (NM_001040661.3, NM_001300847.3).
Identifiers: ClinVar variation 2657269 (VCV002657269.25), dbSNP rs145785340, ClinGen allele CA4142345.